The following is an entry in ClinVar:

ClinVar aggregate classification (germline): Uncertain significance (1 of 4 stars; one submission).

gnomAD v4.1: 30 of 1,204,158 alleles (0.0025%); highest among the groups gnomAD compares: Non-Finnish European, 0.0034%; no homozygotes.

Submission:

Labcorp Genetics (formerly Invitae), Labcorp
Classification: Uncertain significance. Last evaluated: 2024-05-16. Review status: criteria provided, single submitter. Criteria: Invitae Variant Classification Sherloc (09022015). Collection method: clinical testing. Allele origin: germline.
Comment: This sequence change replaces glycine, which is neutral and non-polar, with valine, which is neutral and non-polar, at codon 456 of the COL4A6 protein (p.Gly456Val). This variant is present in population databases (rs769636947, gnomAD 0.008%). This variant has not been reported in the literature in individuals affected with COL4A6-related conditions. Advanced modeling of protein sequence and biophysical properties (such as structural, functional, and spatial information, amino acid conservation, physicochemical variation, residue mobility, and thermodynamic stability) performed at Invitae indicates that this missense variant is expected to disrupt COL4A6 protein function with a positive predictive value of 80%. In summary, the available evidence is currently insufficient to determine the role of this variant in disease. Therefore, it has been classified as a Variant of Uncertain Significance.

NM_033641.4(COL4A6):c.1364G>T (p.Gly455Val)

Gene: COL4A6 (collagen type IV alpha 6 chain; minus strand). Cytogenetic location: Xq22.3.
Variant type: single nucleotide variant.
Coding change: c.1364G>T on transcript NM_033641.4 (MANE Select); coding-DNA position 1364, G replaced by T.
Protein change: p.Gly455Val; replaces glycine 455 with valine.
Molecular consequence: missense variant.
Genome position (GRCh38, 1-based): chrX:108,190,454, C>A on the plus strand (G>T on the coding strand, the complement: COL4A6 is on the minus strand). VCF-style: chrX-108190454-C-A. GRCh37 (hg19) VCF-style: chrX-107433684-C-A.
Other names: c.1364G>T, p.Gly455Val (NM_001287758.2, NM_001287759.2, NM_001287760.2); c.1367G>T, p.Gly456Val (NM_001847.4); short protein forms G455V, G456V.
Identifiers: ClinVar variation 3627446 (VCV003627446.2).